The following is an entry in ClinVar:

ClinVar aggregate classification (germline): Uncertain significance (1 of 4 stars; one submission).

Submission:

GeneDx
Classification: Uncertain significance. Last evaluated: 2023-06-21. Review status: criteria provided, single submitter. Criteria: GeneDx Variant Classification Process June 2021. Collection method: clinical testing. Allele origin: germline. Affected: yes.
Comment: Not observed at significant frequency in large population cohorts (gnomAD); In silico analysis supports that this missense variant has a deleterious effect on protein structure/function; Has not been previously published as pathogenic or benign to our knowledge

NM_052867.4(NALCN):c.3458G>A (p.Gly1153Glu)

Gene: NALCN (sodium leak channel, non-selective; minus strand). Cytogenetic location: 13q32.3.
Variant type: single nucleotide variant.
Coding change: c.3458G>A on transcript NM_052867.4 (MANE Select); coding-DNA position 3458, G replaced by A.
Protein change: p.Gly1153Glu; replaces glycine 1153 with glutamic acid.
Molecular consequence: missense variant.
Genome position (GRCh38, 1-based): chr13:101,089,694, C>T on the plus strand (G>A on the coding strand, the complement: NALCN is on the minus strand). VCF-style: chr13-101089694-C-T. GRCh37 (hg19) VCF-style: chr13-101742045-C-T.
Other names: c.3545G>A, p.Gly1182Glu (NM_001350748.2); c.3458G>A, p.Gly1153Glu (NM_001350749.2); c.3371G>A, p.Gly1124Glu (NM_001350750.2, NM_001350751.2); short protein forms G1124E, G1153E, G1182E.
Identifiers: ClinVar variation 3360232 (VCV003360232.1).